The following is an entry in ClinVar:

ClinVar aggregate classification (germline): Uncertain significance (1 of 4 stars; one submission).

Submission:

CeGaT Center for Human Genetics Tuebingen
Classification: Uncertain significance. Last evaluated: 2025-10-01. Review status: criteria provided, single submitter. Criteria: CeGaT Center For Human Genetics Tuebingen Variant Classification Criteria Version 2. Collection method: clinical testing. Allele origin: germline. Affected: yes. Observed: 1 variant allele.
Comment: SPTBN2: PM2, PM4:Supporting

NM_006946.4(SPTBN2):c.6010_6012del (p.Glu2004del)

Gene: SPTBN2 (spectrin beta, non-erythrocytic 2; minus strand). Cytogenetic location: 11q13.2.
Variant type: Deletion.
Coding change: c.6010_6012del on transcript NM_006946.4 (MANE Select); coding-DNA positions 6010 to 6012, 3 bases deleted (GAG; older notation c.6010_6012delGAG).
Protein change: p.Glu2004del; deletes glutamic acid 2004.
Molecular consequence: inframe deletion.
Genome position (GRCh38, 1-based): chr11:66,689,118-66,689,120, CTC deleted on the plus strand (GAG on the coding strand, the reverse complement: SPTBN2 is on the minus strand); deleting any 3 consecutive bases within chr11:66,689,118-66,689,122 gives the same sequence; the c. name uses the placement nearest the transcript's 3' end. VCF-style (leftmost placement, unchanged base first): chr11-66689117-TCTC-T. GRCh37 (hg19) VCF-style: chr11-66456588-TCTC-T.
Other names: c.6031_6033del, p.Glu2011del (NM_001411025.1); c.6010_6012del, p.Glu2004del (NM_001437541.1); short protein forms E2004del, E2011del.
Identifiers: ClinVar variation 4535057 (VCV004535057.6).